The following is an entry in ClinVar:

ClinVar aggregate classification (germline): Uncertain significance. Review status: criteria provided, multiple submitters, no conflicts (2 of 4 stars). 2 submissions from 2 submitters: Uncertain significance (2). Last evaluated 2025-10-02.

Conditions:
Autosomal dominant Parkinson disease 8. Also called: Parkinson disease 8, susceptibility to; LRRK2-Related Parkinson Disease; Parkinson disease 8. Identifiers: Orphanet 411602, MedGen C1846862, MONDO:0011764, OMIM 607060.

Allele frequency attached by ClinVar (database versions not stated): TOPMed 0.00001; ESP Exome Variant Server 0.00008.
gnomAD v4.1: 8 of 1,612,958 alleles (0.0005%); highest among the groups gnomAD compares: Non-Finnish European, 0.00068%; no homozygotes.

Submissions (2):

Athena Diagnostics
Classification: Uncertain significance. Last evaluated: 2025-10-02. Review status: criteria provided, single submitter. Criteria: Athena Diagnostics Criteria. Collection method: clinical testing. Allele origin: unknown.
Comment: Available data are insufficient to determine the clinical significance of the variant at this time. This variant has not been reported in large, multi-ethnic general populations. This variant has been identified in at least one individual with clinical features associated with this gene. Polyphen and MutationTaster predict this amino acid change may be damaging to the protein.

Labcorp Genetics (formerly Invitae), Labcorp
Classification: Uncertain significance for Autosomal dominant Parkinson disease 8. Last evaluated: 2022-07-11. Review status: criteria provided, single submitter. Criteria: Invitae Variant Classification Sherloc (09022015). Collection method: clinical testing. Allele origin: germline.
Comment: In summary, the available evidence is currently insufficient to determine the role of this variant in disease. Therefore, it has been classified as a Variant of Uncertain Significance. Algorithms developed to predict the effect of missense changes on protein structure and function are either unavailable or do not agree on the potential impact of this missense change (SIFT: "Deleterious"; PolyPhen-2: "Probably Damaging"; Align-GVGD: "Class C0"). ClinVar contains an entry for this variant (Variation ID: 957338). This missense change has been observed in individual(s) with Parkinson disease (PMID: 26213354). This variant is not present in population databases (gnomAD no frequency). This sequence change replaces serine, which is neutral and polar, with isoleucine, which is neutral and non-polar, at codon 461 of the LRRK2 protein (p.Ser461Ile).

Literature cited by the submitters: PubMed 26213354 (cited by Athena Diagnostics and Labcorp Genetics (formerly Invitae), Labcorp); PubMed 33640967 (cited by Athena Diagnostics).

NM_198578.4(LRRK2):c.1382G>T (p.Ser461Ile)

Gene: LRRK2 (leucine rich repeat kinase 2; plus strand). Cytogenetic location: 12q12.
Variant type: single nucleotide variant.
Coding change: c.1382G>T on transcript NM_198578.4 (MANE Select); coding-DNA position 1382, G replaced by T.
Protein change: p.Ser461Ile; replaces serine 461 with isoleucine.
Molecular consequence: missense variant.
Genome position (GRCh38, 1-based): chr12:40,257,341, G>T. VCF-style: chr12-40257341-G-T. GRCh37 (hg19) VCF-style: chr12-40651143-G-T.
Other names: short protein forms S461I.
Identifiers: ClinVar variation 957338 (VCV000957338.10), dbSNP rs372415323, ClinGen allele CA235360632.